The following is an entry in ClinVar:

ClinVar aggregate classification (germline): Likely benign. Review status: criteria provided, multiple submitters, no conflicts (2 of 4 stars). 2 submissions from 2 submitters: Likely benign (2). Last evaluated 2022-05-04.

Conditions:
Inborn genetic diseases. Identifiers: MedGen C0950123, MeSH D030342.
Epidermolysis bullosa simplex. Also called: Epidermolysis bullosa simplex, Weber-Cockayne type (subtype); Epidermolysis bullosa simplex, Dowling-Meara type (subtype); Epidermolysis bullosa simplex with mottled pigmentation (subtype). Identifiers: Orphanet 304, MedGen C0079298, MONDO:0017610.

Allele frequency attached by ClinVar (database versions not stated): TOPMed 0.00008; gnomAD 0.00009; ExAC 0.00017; gnomAD exomes 0.00021; ESP Exome Variant Server 0.00023.
gnomAD v4.1: 140 of 1,614,078 alleles (0.0087%); highest among the groups gnomAD compares: Middle Eastern, 0.016%; no homozygotes.

Submissions (2):

Ambry Genetics
Classification: Likely benign for Inborn genetic diseases. Last evaluated: 2022-05-04. Review status: criteria provided, single submitter. Criteria: Ambry Variant Classification Scheme 2023. Collection method: clinical testing. Allele origin: germline.

Illumina Laboratory Services, Illumina
Classification: Likely benign for Epidermolysis bullosa simplex. Last evaluated: 2018-01-12. Review status: criteria provided, single submitter. Criteria: ICSL Variant Classification Criteria 13 December 2019. Collection method: clinical testing. Allele origin: germline.
Comment: This variant was observed in the ICSL laboratory as part of a predisposition screen in an ostensibly healthy population. It had not been previously curated by ICSL or reported in the Human Gene Mutation Database (HGMD: prior to June 1st, 2018), and was therefore a candidate for classification through an automated scoring system. Utilizing variant allele frequency, disease prevalence and penetrance estimates, and inheritance mode, an automated score was calculated to assess if this variant is too frequent to cause the disease. Based on the score and internal cut-off values, a variant classified as likely benign is not then subjected to further curation. The score for this variant resulted in a classification of likely benign for this disease.

NM_000424.4(KRT5):c.907A>T (p.Met303Leu)

Gene: KRT5 (keratin 5; minus strand). Cytogenetic location: 12q13.13.
Variant type: single nucleotide variant.
Coding change: c.907A>T on transcript NM_000424.4 (MANE Select); coding-DNA position 907, A replaced by T.
Protein change: p.Met303Leu; replaces methionine 303 with leucine.
Molecular consequence: missense variant.
Genome position (GRCh38, 1-based): chr12:52,517,917, T>A on the plus strand (A>T on the coding strand, the complement: KRT5 is on the minus strand). VCF-style: chr12-52517917-T-A. GRCh37 (hg19) VCF-style: chr12-52911701-T-A.
Other names: short protein forms M303L.
Identifiers: ClinVar variation 880833 (VCV000880833.6), dbSNP rs199854656, ClinGen allele CA6582696.